The following is an entry in ClinVar:

ClinVar aggregate classification (germline): Uncertain significance (1 of 4 stars; one submission).

Submission:

CeGaT Center for Human Genetics Tuebingen
Classification: Uncertain significance. Last evaluated: 2025-07-01. Review status: criteria provided, single submitter. Criteria: CeGaT Center For Human Genetics Tuebingen Variant Classification Criteria Version 2. Collection method: clinical testing. Allele origin: germline. Affected: yes. Observed: 1 variant allele.
Comment: SETD1B: PM2, PP3

NM_001353345.2(SETD1B):c.4637G>T (p.Gly1546Val)

Gene: SETD1B (SET domain containing 1B, histone lysine methyltransferase; plus strand). Cytogenetic location: 12q24.31.
Variant type: single nucleotide variant.
Coding change: c.4637G>T on transcript NM_001353345.2 (MANE Select); coding-DNA position 4637, G replaced by T.
Protein change: p.Gly1546Val; replaces glycine 1546 with valine.
Molecular consequence: missense variant.
Genome position (GRCh38, 1-based): chr12:121,823,216, G>T. VCF-style: chr12-121823216-G-T. GRCh37 (hg19) VCF-style: chr12-122261122-G-T.
Other names: short protein forms G1546V.
Identifiers: ClinVar variation 4085404 (VCV004085404.8).
Genomic context (GRCh38, chr12:121,823,216, plus strand): 5'-CACCATCTATGCTCTCCTTGGATGGGCCCTTGGTCCGACCACCAGCAGGGGCCGCCCTTG[G>T]AAGGGAACTCCTGCTCCTGCCGGGCCAGCCACAGACCCCCGTCTTCCCCAGCACCCATGA-3'
Protein context (NP_001340274.1, residues 1536-1556): LVRPPAGAAL[Gly1546Val]RELLLLPGQP